The following is an entry in ClinVar:

NM_022336.4(EDAR):c.330C>T (p.Asp110=)

Genes: EDAR (ectodysplasin A receptor; minus strand), RANBP2 (RAN binding protein 2; plus strand). Cytogenetic location: 2q13.
Variant type: single nucleotide variant.
Coding change: c.330C>T on transcript NM_022336.4 (MANE Select); coding-DNA position 330, C replaced by T.
Protein change: p.Asp110=; no amino-acid change (aspartic acid 110 retained).
Molecular consequence: synonymous variant.
Genome position (GRCh38, 1-based): chr2:108,929,224, G>A on the plus strand (C>T on the coding strand, the complement: EDAR is on the minus strand). VCF-style: chr2-108929224-G-A. GRCh37 (hg19) VCF-style: chr2-109545680-G-A.
Identifiers: ClinVar variation 2651259 (VCV002651259.24), dbSNP rs372432087, ClinGen allele CA1825127.

ClinVar aggregate classification (germline): Likely benign (1 of 4 stars; one submission).

Allele frequency attached by ClinVar (database versions not stated): ExAC 0.00003; gnomAD exomes 0.00003; TOPMed 0.00009; gnomAD 0.00011; ESP Exome Variant Server 0.00015.
gnomAD v4.1: 62 of 1,613,990 alleles (0.0038%); highest among the groups gnomAD compares: Middle Eastern, 0.066%; no homozygotes.

Submission:

CeGaT Center for Human Genetics Tuebingen
Classification: Likely benign. Last evaluated: 2022-09-01. Review status: criteria provided, single submitter. Criteria: CeGaT Center For Human Genetics Tuebingen Variant Classification Criteria Version 2. Collection method: clinical testing. Allele origin: germline. Affected: yes. Observed: 1 variant allele.
Comment: EDAR: BP4, BP7